The following is an entry in ClinVar:

ClinVar aggregate classification (germline): Uncertain significance (1 of 4 stars; one submission).

Conditions:
GM3 synthase deficiency (SPDRS). Also called: SALT AND PEPPER DEVELOPMENTAL REGRESSION SYNDROME; AMISH INFANTILE EPILEPSY SYNDROME; SALT AND PEPPER MENTAL RETARDATION SYNDROME. Identifiers: Orphanet 171714, Orphanet 370933, MedGen C1836824, MONDO:0018274, OMIM 609056.

gnomAD v4.1: 1 of 1,614,012 alleles (0.000062%); no homozygotes.

Submission:

Labcorp Genetics (formerly Invitae), Labcorp
Classification: Uncertain significance for GM3 synthase deficiency. Last evaluated: 2024-05-28. Review status: criteria provided, single submitter. Criteria: Invitae Variant Classification Sherloc (09022015). Collection method: clinical testing. Allele origin: germline.
Comment: This sequence change replaces threonine, which is neutral and polar, with isoleucine, which is neutral and non-polar, at codon 212 of the ST3GAL5 protein (p.Thr212Ile). This variant is not present in population databases (gnomAD no frequency). This variant has not been reported in the literature in individuals affected with ST3GAL5-related conditions. Advanced modeling of protein sequence and biophysical properties (such as structural, functional, and spatial information, amino acid conservation, physicochemical variation, residue mobility, and thermodynamic stability) performed at Invitae indicates that this missense variant is not expected to disrupt ST3GAL5 protein function with a negative predictive value of 80%. In summary, the available evidence is currently insufficient to determine the role of this variant in disease. Therefore, it has been classified as a Variant of Uncertain Significance.

NM_003896.4(ST3GAL5):c.635C>T (p.Thr212Ile)

Gene: ST3GAL5 (ST3 beta-galactoside alpha-2,3-sialyltransferase 5; minus strand). Cytogenetic location: 2p11.2.
Variant type: single nucleotide variant.
Coding change: c.635C>T on transcript NM_003896.4 (MANE Select); coding-DNA position 635, C replaced by T.
Protein change: p.Thr212Ile; replaces threonine 212 with isoleucine.
Molecular consequence: missense variant. On other transcripts: 5 prime UTR variant (1).
Genome position (GRCh38, 1-based): chr2:85,847,888, G>A on the plus strand (C>T on the coding strand, the complement: ST3GAL5 is on the minus strand). VCF-style: chr2-85847888-G-A. GRCh37 (hg19) VCF-style: chr2-86075011-G-A.
Other names: c.566C>T, p.Thr189Ile (NM_001042437.2); c.251C>T, p.Thr84Ile (NM_001354223.2, NM_001354224.2, NM_001354226.2 and 3 more transcripts); c.551C>T, p.Thr184Ile (NM_001354227.2, NM_001354229.2, NM_001354238.1); c.-270C>T (NM_001354247.1); c.635C>T, p.Thr212Ile (NM_001363847.1); short protein forms T184I, T189I, T212I, T84I.
Identifiers: ClinVar variation 3654874 (VCV003654874.2).
Genomic context (GRCh38, chr2:85,847,888, plus strand): 5'-AAGTAAACAAACAAACAAAAAAAACCAATGTACCTTATCACAACATCGAACTGGTTCAGG[G>A]TGTGGCCCAGTTCTAATCCGTGCAGTATTCCTCCGCTTCCAATAACCACACAGCGCCGAC-3'
Protein context (NP_003887.3, residues 202-222): GILHGLELGH[Thr212Ile]LNQFDVVIRL